The following is an entry in ClinVar:

NM_020921.4(NIN):c.6275C>T (p.Thr2092Ile)

Gene: NIN (ninein; minus strand). Cytogenetic location: 14q22.1.
Variant type: single nucleotide variant.
Coding change: c.6275C>T on transcript NM_020921.4 (MANE Select); coding-DNA position 6275, C replaced by T.
Protein change: p.Thr2092Ile; replaces threonine 2092 with isoleucine.
Molecular consequence: missense variant.
Genome position (GRCh38, 1-based): chr14:50,723,590, G>A on the plus strand (C>T on the coding strand, the complement: NIN is on the minus strand). VCF-style: chr14-50723590-G-A. GRCh37 (hg19) VCF-style: chr14-51190308-G-A.
Other names: short protein forms T2092I.
Identifiers: ClinVar variation 1029793 (VCV001029793.5), dbSNP rs201013063, ClinGen allele CA7180930.

ClinVar aggregate classification (germline): Uncertain significance. Review status: criteria provided, multiple submitters, no conflicts (2 of 4 stars). 2 submissions from 2 submitters: Uncertain significance (2). Last evaluated 2026-01-21.

Conditions:
Seckel syndrome 7 (SCKL7). Identifiers: Orphanet 319675, MedGen C3553870, MONDO:0013922, OMIM 614851.

Allele frequency attached by ClinVar (database versions not stated): ExAC 0.00007; gnomAD exomes 0.00008 and 0.00011; gnomAD 0.00017; TOPMed 0.00018.
gnomAD v4.1: 185 of 1,613,794 alleles (0.011%); highest among the groups gnomAD compares: Middle Eastern, 0.016%; no homozygotes.

Submissions (2):

Labcorp Genetics (formerly Invitae), Labcorp
Classification: Uncertain significance. Last evaluated: 2026-01-21. Review status: criteria provided, single submitter. Criteria: Invitae Variant Classification Sherloc (09022015). Collection method: clinical testing. Allele origin: germline.
Comment: This sequence change replaces threonine, which is neutral and polar, with isoleucine, which is neutral and non-polar, at codon 2092 of the NIN protein (p.Thr2092Ile). This variant is present in population databases (rs201013063, gnomAD 0.02%). This variant has not been reported in the literature in individuals affected with NIN-related conditions. ClinVar contains an entry for this variant (Variation ID: 1029793). An algorithm developed to predict the effect of missense changes on protein structure and function (PolyPhen-2) suggests that this variant is likely to be disruptive. In summary, the available evidence is currently insufficient to determine the role of this variant in disease. Therefore, it has been classified as a Variant of Uncertain Significance.

Baylor Genetics
Classification: Uncertain significance for Seckel syndrome 7. Last evaluated: 2019-11-20. Review status: criteria provided, single submitter. Criteria: ACMG Guidelines, 2015. Collection method: clinical testing. Allele origin: unknown. Affected: yes.
Comment: This variant was determined to be of uncertain significance according to ACMG Guidelines, 2015 [PMID:25741868].